The following is an entry in ClinVar:

NM_000921.5(PDE3A):c.2002-8C>T

Gene: PDE3A (phosphodiesterase 3A; plus strand). Cytogenetic location: 12p12.2.
Variant type: single nucleotide variant.
Coding change: c.2002-8C>T on transcript NM_000921.5 (MANE Select); 8 bases into the intron before coding-DNA position 2002, C replaced by T.
Molecular consequence: intron variant.
Genome position (GRCh38, 1-based): chr12:20,637,092, C>T. VCF-style: chr12-20637092-C-T. GRCh37 (hg19) VCF-style: chr12-20790026-C-T.
Other names: c.1039-8C>T (NM_001378408.1); c.1696-8C>T (NM_001378407.1); c.1036-8C>T (NM_001244683.2, NM_001378409.1).
Identifiers: ClinVar variation 762027 (VCV000762027.7), dbSNP rs187975685, ClinGen allele CA6473933.

ClinVar aggregate classification (germline): Benign. Review status: criteria provided, single submitter (1 of 4 stars). 2 submissions from 2 submitters: Benign (1). 1 of the submissions does not count toward it. Last evaluated 2025-12-15.

Conditions:
PDE3A-related disorder. Also called: PDE3A-related condition.

Allele frequency attached by ClinVar (database versions not stated): gnomAD exomes 0.00004 and 0.00011; ExAC 0.00014; ESP Exome Variant Server 0.00015; gnomAD 0.00036 and 0.00038; TOPMed 0.00045; 1000 Genomes Project 0.00060; 1000 Genomes Project 30x 0.00078.
gnomAD v4.1: 112 of 1,561,382 alleles (0.0072%); highest among the groups gnomAD compares: African/African-American, 0.15%; 1 homozygote.

Submissions (2):

Labcorp Genetics (formerly Invitae), Labcorp
Classification: Benign. Last evaluated: 2025-12-15. Review status: criteria provided, single submitter. Criteria: Invitae Variant Classification Sherloc (09022015). Collection method: clinical testing. Allele origin: germline.

PreventionGenetics, part of Exact Sciences
Classification: Likely benign for PDE3A-related condition. Last evaluated: 2019-06-26. Review status: no assertion criteria provided. Collection method: clinical testing. Allele origin: germline. Not counted in ClinVar's aggregate classification.
Comment: This variant is classified as likely benign based on ACMG/AMP sequence variant interpretation guidelines (Richards et al. 2015 PMID: 25741868, with internal and published modifications).